The following is an entry in ClinVar:

NM_000038.6(APC):c.3244A>G (p.Thr1082Ala)

Gene: APC (APC regulator of Wnt signaling pathway; plus strand). Cytogenetic location: 5q22.2.
Variant type: single nucleotide variant.
Coding change: c.3244A>G on transcript NM_000038.6 (MANE Select); coding-DNA position 3244, A replaced by G.
Protein change: p.Thr1082Ala; replaces threonine 1082 with alanine.
Molecular consequence: missense variant. On other transcripts: non-coding transcript variant (2).
Genome position (GRCh38, 1-based): chr5:112,838,838, A>G. VCF-style: chr5-112838838-A-G. GRCh37 (hg19) VCF-style: chr5-112174535-A-G.
Other names: c.3244A>G, p.Thr1082Ala (NM_001127510.3, NM_001354895.2, NM_001407450.1); c.3190A>G, p.Thr1064Ala (NM_001127511.3); c.3298A>G, p.Thr1100Ala (NM_001354896.2, NM_001407447.1, NM_001407448.1 and 1 more transcripts); c.3274A>G, p.Thr1092Ala (NM_001354897.2); c.3169A>G, p.Thr1057Ala (NM_001354898.2); c.3160A>G, p.Thr1054Ala (NM_001354899.2); c.3121A>G, p.Thr1041Ala (NM_001354900.2); c.3067A>G, p.Thr1023Ala (NM_001354901.2, NM_001407453.1); and 11 more; short protein forms T1041A, T1110A, T698A, T922A, T1082A, T799A, T956A, T1023A.
Identifiers: ClinVar variation 3881873 (VCV003881873.1).

ClinVar aggregate classification (germline): Uncertain significance (1 of 4 stars; one submission).

Conditions:
Hereditary cancer-predisposing syndrome. Also called: Tumor predisposition; Neoplastic Syndromes, Hereditary; Hereditary Cancer Syndrome; Hereditary neoplastic syndrome. Identifiers: Orphanet 140162, MedGen C0027672, MeSH D009386, MONDO:0015356.

Submission:

Ambry Genetics
Classification: Uncertain significance for Hereditary cancer-predisposing syndrome. Last evaluated: 2025-01-17. Review status: criteria provided, single submitter. Criteria: Ambry Variant Classification Scheme 2023. Collection method: clinical testing. Allele origin: germline.
Comment: The p.T1082A variant (also known as c.3244A>G), located in coding exon 15 of the APC gene, results from an A to G substitution at nucleotide position 3244. The threonine at codon 1082 is replaced by alanine, an amino acid with similar properties. This amino acid position is conserved. In addition, in silico predictors for this gene do not accurately predict pathogenicity. Based on the available evidence, the clinical significance of this variant remains unclear.